The following is an entry in ClinVar:

NM_015702.3(MMADHC):c.80A>G (p.Asn27Ser)

Gene: MMADHC (metabolism of cobalamin associated D; minus strand). Cytogenetic location: 2q23.2.
Variant type: single nucleotide variant.
Coding change: c.80A>G on transcript NM_015702.3 (MANE Select); coding-DNA position 80, A replaced by G.
Protein change: p.Asn27Ser; replaces asparagine 27 with serine.
Molecular consequence: missense variant.
Genome position (GRCh38, 1-based): chr2:149,582,201, T>C on the plus strand (A>G on the coding strand, the complement: MMADHC is on the minus strand). VCF-style: chr2-149582201-T-C. GRCh37 (hg19) VCF-style: chr2-150438715-T-C.
Other names: short protein forms N27S.
Identifiers: ClinVar variation 1420742 (VCV001420742.5), dbSNP rs766017009, ClinGen allele CA1902506.

ClinVar aggregate classification (germline): Uncertain significance (1 of 4 stars; one submission).

Conditions:
Methylmalonic aciduria and homocystinuria type cblD (MAHCD). Also called: Methylmalonic aciduria with homocystinuria cblD type; METHYLMALONIC ACIDEMIA, cblH TYPE. Identifiers: Orphanet 622, Orphanet 79283, MedGen C1848552, MONDO:0010185, OMIM 277410.

Allele frequency attached by ClinVar (database versions not stated): gnomAD 0.00001; gnomAD exomes 0.00001 and 0.00005; ExAC 0.00002; TOPMed 0.00002.
gnomAD v4.1: 21 of 1,613,832 alleles (0.0013%); highest among the groups gnomAD compares: Admixed American, 0.023%; no homozygotes.

Submission:

Labcorp Genetics (formerly Invitae), Labcorp
Classification: Uncertain significance for Methylmalonic aciduria and homocystinuria type cblD. Last evaluated: 2022-03-13. Review status: criteria provided, single submitter. Criteria: Invitae Variant Classification Sherloc (09022015). Collection method: clinical testing. Allele origin: germline.
Comment: This sequence change replaces asparagine, which is neutral and polar, with serine, which is neutral and polar, at codon 27 of the MMADHC protein (p.Asn27Ser). This variant is present in population databases (rs766017009, gnomAD 0.03%). This variant has not been reported in the literature in individuals affected with MMADHC-related conditions. Algorithms developed to predict the effect of missense changes on protein structure and function output the following: SIFT: "Tolerated"; PolyPhen-2: "Benign"; Align-GVGD: "Class C0". The serine amino acid residue is found in multiple mammalian species, which suggests that this missense change does not adversely affect protein function. In summary, the available evidence is currently insufficient to determine the role of this variant in disease. Therefore, it has been classified as a Variant of Uncertain Significance.